The following is an entry in ClinVar:

ClinVar aggregate classification (germline): Uncertain significance (1 of 4 stars; one submission).

Allele frequency attached by ClinVar (database versions not stated): 1000 Genomes Project 30x 0.00016; 1000 Genomes Project 0.00020; gnomAD 0.00039 and 0.00040; ExAC 0.00045; TOPMed 0.00047; ESP Exome Variant Server 0.00062.

Submission:

Labcorp Genetics (formerly Invitae), Labcorp
Classification: Uncertain significance. Last evaluated: 2025-05-30. Review status: criteria provided, single submitter. Criteria: Invitae Variant Classification Sherloc (09022015). Collection method: clinical testing. Allele origin: germline.
Comment: This sequence change replaces leucine, which is neutral and non-polar, with proline, which is neutral and non-polar, at codon 414 of the MOCS3 protein (p.Leu414Pro). This variant is present in population databases (rs150439864, gnomAD 0.08%), and has an allele count higher than expected for a pathogenic variant. This variant has not been reported in the literature in individuals affected with MOCS3-related conditions. ClinVar contains an entry for this variant (Variation ID: 1037552). An algorithm developed to predict the effect of missense changes on protein structure and function (PolyPhen-2) suggests that this variant is likely to be disruptive. In summary, the available evidence is currently insufficient to determine the role of this variant in disease. Therefore, it has been classified as a Variant of Uncertain Significance.

NM_014484.5(MOCS3):c.1241T>C (p.Leu414Pro)

Gene: MOCS3 (molybdenum cofactor synthesis 3; plus strand). Cytogenetic location: 20q13.13.
Variant type: single nucleotide variant.
Coding change: c.1241T>C on transcript NM_014484.5 (MANE Select); coding-DNA position 1241, T replaced by C.
Protein change: p.Leu414Pro; replaces leucine 414 with proline.
Molecular consequence: missense variant.
Genome position (GRCh38, 1-based): chr20:50,960,083, T>C. VCF-style: chr20-50960083-T-C. GRCh37 (hg19) VCF-style: chr20-49576620-T-C.
Other names: short protein forms L414P.
Identifiers: ClinVar variation 1037552 (VCV001037552.7), dbSNP rs150439864, ClinGen allele CA9909558.